The following is an entry in ClinVar:

ClinVar aggregate classification (germline): Pathogenic (1 of 4 stars; one submission).

Submission:

Labcorp Genetics (formerly Invitae), Labcorp
Classification: Pathogenic. Last evaluated: 2025-04-03. Review status: criteria provided, single submitter. Criteria: Invitae Variant Classification Sherloc (09022015). Collection method: clinical testing. Allele origin: germline.
Comment: This sequence change creates a premature translational stop signal (p.Glu329*) in the PRKCSH gene. It is expected to result in an absent or disrupted protein product. Loss-of-function variants in PRKCSH are known to be pathogenic (PMID: 12529853, 12577059, 20095989). This variant is not present in population databases (gnomAD no frequency). This variant has not been reported in the literature in individuals affected with PRKCSH-related conditions. For these reasons, this variant has been classified as Pathogenic.

Literature cited by the submitters: PubMed 12529853; PubMed 12577059; PubMed 20095989.

NM_001289104.2(PRKCSH):c.985G>T (p.Glu329Ter)

Gene: PRKCSH (PRKCSH beta subunit of glucosidase II; plus strand). Cytogenetic location: 19p13.2.
Variant type: single nucleotide variant.
Coding change: c.985G>T on transcript NM_001289104.2 (MANE Select); coding-DNA position 985, G replaced by T.
Protein change: p.Glu329Ter; replaces glutamic acid 329 with a stop codon.
Molecular consequence: nonsense.
Genome position (GRCh38, 1-based): chr19:11,447,574, G>T. VCF-style: chr19-11447574-G-T. GRCh37 (hg19) VCF-style: chr19-11558389-G-T.
Other names: c.985G>T, p.Glu329Ter (NM_001001329.3, NM_001289102.2, NM_001289103.2 and 3 more transcripts); short protein forms E329*.
Identifiers: ClinVar variation 4716717 (VCV004716717.1).
Genomic context (GRCh38, chr19:11,447,574, plus strand): 5'-TCGTCGCCCACAGAGGAGGAGGAGGAGGAGGAGGAGGAGGAGGAAGAAGAGGCTGAAGAA[G>T]AGGAGGAGGAGGAGGATTCCGAGGTGCAGGGGGAGCAGCCCAAGGTCCGTGTTTGGGGGA-3'